The following is an entry in ClinVar:

ClinVar aggregate classification (germline): Likely pathogenic (1 of 4 stars; one submission).

Submission:

Labcorp Genetics (formerly Invitae), Labcorp
Classification: Likely pathogenic. Last evaluated: 2022-04-26. Review status: criteria provided, single submitter. Criteria: Invitae Variant Classification Sherloc (09022015). Collection method: clinical testing. Allele origin: germline.
Comment: This variant results in a copy number gain of the genomic region encompassing exon(s) 9-17 of the PDE6A gene. While the exact position of this variant cannot be determined from the data, sub-genic copy number gains are generally in tandem (PMID: 25640679). This variant is predicted to be out-of-frame, and may result in an absent or disrupted protein product. Loss-of-function variants in PDE6A are known to be pathogenic (PMID: 7493036, 22128245, 23847139). This variant has not been reported in the literature in individuals affected with PDE6A-related conditions. In summary, the currently available evidence indicates that the variant is pathogenic, but additional data are needed to prove that conclusively. Therefore, this variant has been classified as Likely Pathogenic.

Literature cited by the submitters: PubMed 25640679; PubMed 7493036; PubMed 22128245; PubMed 23847139.

NC_000005.9:g.(?_149262972)_(149279107_?)dup

Gene: PDE6A (phosphodiesterase 6A; minus strand). Cytogenetic location: 5q32.
Variant type: Duplication.
Identifiers: ClinVar variation 1510110 (VCV001510110.5).